The following is an entry in ClinVar:

NM_138420.4(AHNAK2):c.11886G>T (p.Thr3962=)

Gene: AHNAK2 (AHNAK nucleoprotein 2; minus strand). Cytogenetic location: 14q32.33.
Variant type: single nucleotide variant.
Coding change: c.11886G>T on transcript NM_138420.4 (MANE Select); coding-DNA position 11886, G replaced by T.
Protein change: p.Thr3962=; no amino-acid change (threonine 3962 retained).
Molecular consequence: synonymous variant.
Genome position (GRCh38, 1-based): chr14:104,943,565, C>A on the plus strand (G>T on the coding strand, the complement: AHNAK2 is on the minus strand). VCF-style: chr14-104943565-C-A. GRCh37 (hg19) VCF-style: chr14-105409902-C-A.
Other names: c.11586G>T, p.Thr3862= (NM_001350929.2).
Identifiers: ClinVar variation 4872454 (VCV004872454.2).

ClinVar aggregate classification (germline): Likely benign (1 of 4 stars; one submission).

Submission:

CeGaT Center for Human Genetics Tuebingen
Classification: Likely benign. Last evaluated: 2026-05-01. Review status: criteria provided, single submitter. Criteria: CeGaT Center For Human Genetics Tuebingen Variant Classification Criteria Version 2. Collection method: clinical testing. Allele origin: germline. Affected: yes. Observed: 1 variant allele.
Comment: AHNAK2: BP4, BP7